The following is an entry in ClinVar:

NM_001127222.2(CACNA1A):c.2619C>T (p.Gly873=)

Gene: CACNA1A (calcium voltage-gated channel subunit alpha1 A; minus strand). Cytogenetic location: 19p13.13.
Variant type: single nucleotide variant.
Coding change: c.2619C>T on transcript NM_001127222.2 (MANE Select); coding-DNA position 2619, C replaced by T.
Protein change: p.Gly873=; no amino-acid change (glycine 873 retained).
Molecular consequence: synonymous variant.
Genome position (GRCh38, 1-based): chr19:13,299,014, G>A on the plus strand (C>T on the coding strand, the complement: CACNA1A is on the minus strand). VCF-style: chr19-13299014-G-A. GRCh37 (hg19) VCF-style: chr19-13409828-G-A.
Other names: c.2631C>T, p.Gly877= (NM_000068.4, NM_023035.3); c.2622C>T, p.Gly874= (NM_001127221.2, NM_001174080.2).
Identifiers: ClinVar variation 508867 (VCV000508867.10), dbSNP rs761874927, ClinGen allele CA9240518.
Genomic context (GRCh38, chr19:13,299,014, plus strand): 5'-CCGGCTCAGCTCGGCCTCCTGGCTTCCCGCCCAGGGCCTCCGTGCGTCCAGGCCCGCCGA[G>A]CCGCTGGGGTCCCGGGCCCGATCGTGGTAGCGGGCCTGTTTCCTGAGGAAGTCCTCGGCG-3'
Protein context (NP_001120694.1, residues 863-883): RYHDRARDPS[Gly873=]SAGLDARRPW

ClinVar aggregate classification (germline): Likely benign. Review status: criteria provided, multiple submitters, no conflicts (2 of 4 stars). 2 submissions from 2 submitters: Likely benign (2). Last evaluated 2024-02-24.

Conditions:
Developmental and epileptic encephalopathy, 42 (DEE42A). Also called: Epileptic encephalopathy, early infantile, 42; DEVELOPMENTAL AND EPILEPTIC ENCEPHALOPATHY 42A; EPILEPTIC ENCEPHALOPATHY, EARLY INFANTILE, 42A. Identifiers: MedGen C4310716, MONDO:0014917, OMIM 617106.
Episodic ataxia type 2 (EA2). Also called: ATAXIA, EPISODIC, WITH NYSTAGMUS; ATAXIA, FAMILIAL PAROXYSMAL; CEREBELLAR ATAXIA, PAROXYSMAL, ACETAZOLAMIDE-RESPONSIVE; CEREBELLOPATHY, HEREDITARY PAROXYSMAL; EPISODIC ATAXIA, NYSTAGMUS-ASSOCIATED; ACETAZOLAMIDE-RESPONSIVE HEREDITARY PAROXYSMAL CEREBELLAR ATAXIA. Identifiers: Orphanet 97, MedGen C1720416, MONDO:0007163, OMIM 108500.

Allele frequency attached by ClinVar (database versions not stated): TOPMed 0.00001.
gnomAD v4.1: 24 of 1,587,678 alleles (0.0015%); highest among the groups gnomAD compares: African/African-American, 0.0027%; no homozygotes.

Submissions (2):

Labcorp Genetics (formerly Invitae), Labcorp
Classification: Likely benign for Developmental and epileptic encephalopathy, 42; Episodic ataxia type 2. Last evaluated: 2024-02-24. Review status: criteria provided, single submitter. Criteria: Invitae Variant Classification Sherloc (09022015). Collection method: clinical testing. Allele origin: germline.

GeneDx
Classification: Likely benign. Last evaluated: 2017-04-11. Review status: criteria provided, single submitter. Criteria: GeneDx Variant Classification (06012015). Collection method: clinical testing. Allele origin: germline. Affected: yes.
Comment: This variant is considered likely benign or benign based on one or more of the following criteria: it is a conservative change, it occurs at a poorly conserved position in the protein, it is predicted to be benign by multiple in silico algorithms, and/or has population frequency not consistent with disease.